The following is an entry in ClinVar:

NC_000023.11:g.101397722C>T

Genes: GLA (galactosidase alpha; minus strand), RPL36A-HNRNPH2 (RPL36A-HNRNPH2 readthrough; plus strand). Cytogenetic location: Xq22.1.
Variant type: single nucleotide variant.
Molecular consequence: intron variant (on NM_001199973.2).
Genome position: GRCh38 VCF-style: chrX-101397722-C-T. GRCh37 (hg19) VCF-style: chrX-100652710-C-T.
Other names: c.300+2265C>T (NM_001199973.2); c.177+5900C>T (NM_001199974.2).
Identifiers: ClinVar variation 5000963 (VCV005000963.1).

ClinVar aggregate classification (germline): Likely benign (1 of 4 stars; one submission).

Conditions:
GLA-related disorder. Also called: GLA-related condition.

Submission:

PreventionGenetics, part of Exact Sciences
Classification: Likely benign for GLA-related condition. Last evaluated: 2025-09-27. Review status: criteria provided, single submitter. Criteria: ACMG Guidelines, 2015. Collection method: clinical testing. Allele origin: germline.
Comment: This variant is classified as likely benign based on ACMG/AMP sequence variant interpretation guidelines (Richards et al. 2015 PMID: 25741868, with internal and published modifications).